The following is an entry in ClinVar:

ClinVar aggregate classification (germline): Uncertain significance (1 of 4 stars; one submission).

Submission:

Dasa
Classification: Uncertain significance. Last evaluated: 2024-11-18. Review status: criteria provided, single submitter. Criteria: DASA Assertion Criteria. Collection method: clinical testing. Allele origin: germline.
Comment: NM_006306.4(SMC1A):c.2451G>T (p.Leu817Phe) is a missense variant that results in the substitution of leucine with phenylalanine. This variant is absent from population databases. Computational prediction algorithms are consistent with a deleterious effect. The currently available literature and clinical evidence are not sufficient to establish a definitive association between this variant and the reported condition. Therefore, this variant is classified as a variant of uncertain significance.

NM_006306.4(SMC1A):c.2451G>T (p.Leu817Phe)

Gene: SMC1A (structural maintenance of chromosomes 1A; minus strand). Cytogenetic location: Xp11.22.
Variant type: single nucleotide variant.
Coding change: c.2451G>T on transcript NM_006306.4 (MANE Select); coding-DNA position 2451, G replaced by T.
Protein change: p.Leu817Phe; replaces leucine 817 with phenylalanine.
Molecular consequence: missense variant.
Genome position (GRCh38, 1-based): chrX:53,399,700, C>A on the plus strand (G>T on the coding strand, the complement: SMC1A is on the minus strand). VCF-style: chrX-53399700-C-A. GRCh37 (hg19) VCF-style: chrX-53426622-C-A.
Other names: c.2385G>T, p.Leu795Phe (NM_001281463.1); short protein forms L795F, L817F.
Identifiers: ClinVar variation 4882267 (VCV004882267.2).